The following is an entry in ClinVar:

NM_014365.3(HSPB8):c.475T>A (p.Ser159Thr)

Gene: HSPB8 (heat shock protein family B (small) member 8; plus strand). Cytogenetic location: 12q24.23.
Variant type: single nucleotide variant.
Coding change: c.475T>A on transcript NM_014365.3 (MANE Select); coding-DNA position 475, T replaced by A.
Protein change: p.Ser159Thr; replaces serine 159 with threonine.
Molecular consequence: missense variant.
Genome position (GRCh38, 1-based): chr12:119,193,742, T>A. VCF-style: chr12-119193742-T-A. GRCh37 (hg19) VCF-style: chr12-119631547-T-A.
Other names: short protein forms S159T.
Identifiers: ClinVar variation 3353249 (VCV003353249.1).
Genomic context (GRCh38, chr12:119,193,742, plus strand): 5'-TCGTGTGTTTCTCCTAGGCTTCCTGCAGAGGTGGATCCTGTGACAGTATTTGCCTCACTT[T>A]CCCCAGAGGGTCTGCTGATCATCGAAGCTCCCCAGGTCCCTCCTTACTCAACATTTGGAG-3'
Protein context (NP_055180.1, residues 149-169): VDPVTVFASL[Ser159Thr]PEGLLIIEAP

ClinVar aggregate classification (germline): Uncertain significance (0 of 4 stars; one submission).

Conditions:
HSPB8-related disorder. Also called: HSPB8-related condition.

Submission:

PreventionGenetics, part of Exact Sciences
Classification: Uncertain significance for HSPB8-related condition. Last evaluated: 2024-09-10. Review status: no assertion criteria provided. Collection method: clinical testing. Allele origin: germline.
Comment: The HSPB8 c.475T>A variant is predicted to result in the amino acid substitution p.Ser159Thr. To our knowledge, this variant has not been reported in the literature or in a large population database, indicating this variant is rare. At this time, the clinical significance of this variant is uncertain due to the absence of conclusive functional and genetic evidence.